The following is an entry in ClinVar:

NM_000059.4(BRCA2):c.6212G>A (p.Ser2071Asn)

Gene: BRCA2 (BRCA2 DNA repair associated; plus strand). Cytogenetic location: 13q13.1.
Variant type: single nucleotide variant.
Coding change: c.6212G>A on transcript NM_000059.4 (MANE Select); coding-DNA position 6212, G replaced by A.
Protein change: p.Ser2071Asn; replaces serine 2071 with asparagine.
Molecular consequence: missense variant.
Genome position (GRCh38, 1-based): chr13:32,340,567, G>A. VCF-style: chr13-32340567-G-A. GRCh37 (hg19) VCF-style: chr13-32914704-G-A.
Other names: short protein forms S2071N.
Identifiers: ClinVar variation 1378660 (VCV001378660.13), dbSNP rs80358861, ClinGen allele CA387788857.

ClinVar aggregate classification (germline): Conflicting classifications of pathogenicity. Review status: criteria provided, conflicting classifications (1 of 4 stars). 5 submissions from 5 submitters: Uncertain significance (4); Likely benign (1). Last evaluated 2025-12-17.

Conditions:
Hereditary cancer-predisposing syndrome. Also called: Hereditary neoplastic syndrome; Tumor predisposition; Neoplastic Syndromes, Hereditary; Hereditary Cancer Syndrome. Identifiers: Orphanet 140162, MedGen C0027672, MeSH D009386, MONDO:0015356.
Hereditary breast ovarian cancer syndrome. Also called: Hereditary breast and/or ovarian cancer syndrome; Hereditary breast and ovarian cancer; Breast and ovarian cancer; Hereditary breast and ovarian cancer syndrome (HBOC); BRCA1- and BRCA2-Associated Hereditary Breast and Ovarian Cancer; Hereditary breast and ovarian cancer syndrome. Identifiers: Orphanet 145, MedGen C0677776, MeSH D061325, MONDO:0003582. Disease mechanism: loss of function.
Breast-ovarian cancer, familial, susceptibility to, 2 (BROVCA2). Also called: BRCA2 Hereditary Breast and Ovarian Cancer. Identifiers: Orphanet 145, MedGen C2675520, MONDO:0012933, OMIM 612555. Disease mechanism: loss of function.

Submissions (5):

Ambry Genetics
Classification: Uncertain significance for Hereditary cancer-predisposing syndrome. Last evaluated: 2025-12-17. Review status: criteria provided, single submitter. Criteria: Ambry Variant Classification Scheme 2023. Collection method: clinical testing. Allele origin: germline.
Comment: The p.S2071N variant (also known as c.6212G>A), located in coding exon 10 of the BRCA2 gene, results from a G to A substitution at nucleotide position 6212. The serine at codon 2071 is replaced by asparagine, an amino acid with highly similar properties. This amino acid position is well conserved in available vertebrate species. In addition, this alteration is predicted to be tolerated by in silico analysis. Since supporting evidence is limited at this time, the clinical significance of this alteration remains unclear.

Labcorp Genetics (formerly Invitae), Labcorp
Classification: Uncertain significance for Hereditary breast ovarian cancer syndrome. Last evaluated: 2024-07-10. Review status: criteria provided, single submitter. Criteria: Invitae Variant Classification Sherloc (09022015). Collection method: clinical testing. Allele origin: germline.
Comment: This sequence change replaces serine, which is neutral and polar, with asparagine, which is neutral and polar, at codon 2071 of the BRCA2 protein (p.Ser2071Asn). This variant is not present in population databases (gnomAD no frequency). This variant has not been reported in the literature in individuals affected with BRCA2-related conditions. ClinVar contains an entry for this variant (Variation ID: 1378660). Advanced modeling of protein sequence and biophysical properties (such as structural, functional, and spatial information, amino acid conservation, physicochemical variation, residue mobility, and thermodynamic stability) performed at Invitae indicates that this missense variant is not expected to disrupt BRCA2 protein function with a negative predictive value of 95%. In summary, the available evidence is currently insufficient to determine the role of this variant in disease. Therefore, it has been classified as a Variant of Uncertain Significance.

All of Us Research Program, National Institutes of Health
Classification: Uncertain significance for Breast-ovarian cancer, familial, susceptibility to, 2. Last evaluated: 2023-12-13. Review status: criteria provided, single submitter. Criteria: ACMG Guidelines, 2015. Collection method: clinical testing. Allele origin: germline. Inheritance: Autosomal dominant inheritance. Observed: 1 variant allele, 1 heterozygote.
Comment: This missense variant replaces serine with asparagine at codon 2071 of the BRCA2 protein. Computational prediction suggests that this variant may not impact protein structure and function (internally defined REVEL score threshold <= 0.5, PMID: 27666373). To our knowledge, functional studies have not been reported for this variant. This variant has not been reported in individuals affected with BRCA2-related disorders in the literature. This variant has not been identified in the general population by the Genome Aggregation Database (gnomAD). The available evidence is insufficient to determine the role of this variant in disease conclusively. Therefore, this variant is classified as a Variant of Uncertain Significance.

This study involves interpretation of variants in research participants for the purpose of population health screening. Participant phenotype was not available at the time of variant classification. Additional details can be found in publication PMID: 35346344, PMCID: PMC8962531

Color Diagnostics, LLC DBA Color Health
Classification: Uncertain significance for Hereditary cancer-predisposing syndrome. Last evaluated: 2023-09-18. Review status: criteria provided, single submitter. Criteria: ACMG Guidelines, 2015. Collection method: clinical testing. Allele origin: germline.
Comment: This missense variant replaces serine with asparagine at codon 2071 of the BRCA2 protein. Computational prediction suggests that this variant may not impact protein structure and function (internally defined REVEL score threshold <= 0.5, PMID: 27666373). To our knowledge, functional studies have not been reported for this variant. This variant has not been reported in individuals affected with BRCA2-related disorders in the literature. This variant has not been identified in the general population by the Genome Aggregation Database (gnomAD). The available evidence is insufficient to determine the role of this variant in disease conclusively. Therefore, this variant is classified as a Variant of Uncertain Significance.

University of Washington Department of Laboratory Medicine, University of Washington
Classification: Likely benign for Hereditary cancer-predisposing syndrome. Last evaluated: 2023-03-23. Review status: criteria provided, single submitter. Criteria: Dines et al. (Genet Med. 2020). Collection method: curation. Allele origin: germline.
Comment: Missense variant in a coldspot region where missense variants are very unlikely to be pathogenic (PMID:31911673).

BRCA2 exon 11 coldspot. Reclassification based on statistical prior probability.